The following is an entry in ClinVar:

NM_007294.4(BRCA1):c.667A>G (p.Lys223Glu)

Gene: BRCA1 (BRCA1 DNA repair associated; minus strand). Cytogenetic location: 17q21.31.
Variant type: single nucleotide variant.
Coding change: c.667A>G on transcript NM_007294.4 (MANE Select); coding-DNA position 667, A replaced by G.
Protein change: p.Lys223Glu; replaces lysine 223 with glutamic acid.
Molecular consequence: missense variant. On other transcripts: non-coding transcript variant (1).
Genome position (GRCh38, 1-based): chr17:43,095,849, T>C on the plus strand (A>G on the coding strand, the complement: BRCA1 is on the minus strand). VCF-style: chr17-43095849-T-C. GRCh37 (hg19) VCF-style: chr17-41247866-T-C.
Other names: c.667A>G, p.Lys223Glu (NM_001407977.1, NM_001407980.1, NM_001407981.1 and 59 more transcripts); c.454A>G, p.Lys152Glu (NM_001407571.1, NM_001407853.1, NM_001407894.1 and 12 more transcripts); c.664A>G, p.Lys222Glu (NM_001407587.1, NM_001407590.1, NM_001407591.1 and 41 more transcripts); c.457A>G, p.Lys153Glu (NM_001408514.1, NM_001407879.1, NM_001407881.1 and 27 more transcripts); c.526A>G, p.Lys176Glu (NM_007297.4, NM_001407692.1, NM_001407694.1 and 43 more transcripts); c.658A>G, p.Lys220Glu (NM_001407646.1, NM_001407647.1, NM_001408408.1); c.589A>G, p.Lys197Glu (NM_001407653.1, NM_001407654.1, NM_001407655.1 and 9 more transcripts); c.586A>G, p.Lys196Glu (NM_001407659.1, NM_001407660.1, NM_001407661.1 and 3 more transcripts); and 4 more; short protein forms K95E, K152E, K175E, K223E, K96E, K197E, K153E, K176E.
Identifiers: ClinVar variation 1754832 (VCV001754832.3), dbSNP rs2154513497, ClinGen allele CA10600766.

ClinVar aggregate classification (germline): Uncertain significance (1 of 4 stars; one submission).

Conditions:
Hereditary cancer-predisposing syndrome. Also called: Neoplastic Syndromes, Hereditary; Tumor predisposition; Hereditary Cancer Syndrome; Hereditary neoplastic syndrome. Identifiers: Orphanet 140162, MedGen C0027672, MeSH D009386, MONDO:0015356.

Submission:

Ambry Genetics
Classification: Uncertain significance for Hereditary cancer-predisposing syndrome. Last evaluated: 2025-08-30. Review status: criteria provided, single submitter. Criteria: Ambry Variant Classification Scheme 2023. Collection method: clinical testing. Allele origin: germline.
Comment: The p.K223E variant (also known as c.667A>G), located in coding exon 8 of the BRCA1 gene, results from an A to G substitution at nucleotide position 667. The lysine at codon 223 is replaced by glutamic acid, an amino acid with similar properties. This variant was not reported in population based cohorts in the following databases: Database of Single Nucleotide Polymorphisms (dbSNP), NHLBI Exome Sequencing Project (ESP), and 1000 Genomes Project. In the ESP, this variant was not observed in 6503 samples (13006 alleles) with coverage at this position. This amino acid position is not well conserved in available vertebrate species. In addition, this alteration is predicted to be deleterious by in silico analysis. Since supporting evidence is limited at this time, the clinical significance of this alteration remains unclear.